The following is an entry in ClinVar:

NM_007259.5(VPS45):c.1701G>A (p.Ala567=)

Gene: VPS45 (vacuolar protein sorting 45 homolog; plus strand). Cytogenetic location: 1q21.2.
Variant type: single nucleotide variant.
Coding change: c.1701G>A on transcript NM_007259.5 (MANE Select); coding-DNA position 1701, G replaced by A.
Protein change: p.Ala567=; no amino-acid change (alanine 567 retained).
Molecular consequence: synonymous variant. On other transcripts: missense variant (1), non-coding transcript variant (1).
Genome position (GRCh38, 1-based): chr1:150,144,784, G>A. VCF-style: chr1-150144784-G-A. GRCh37 (hg19) VCF-style: chr1-150116962-G-A.
Other names: p.Ala567=; c.1480G>A, p.Glu494Lys (NM_001279353.2); c.1593G>A, p.Ala531= (NM_001279354.2); short protein forms E494K.
Identifiers: ClinVar variation 750653 (VCV000750653.15), dbSNP rs377365764, ClinGen allele CA1073484.
Genomic context (GRCh38, chr1:150,144,784, plus strand): 5'-TCTGGCTTCTGGACTGCACAGCCGAAGCAAGGAGAGCTCTCAAGTCACATCAAGGTCAGC[G>A]AGCAGAAGATGAAACGGTGGTTGGGGGAAGGGCACAGCTTCCTCTCTTGTCCCCACTACA-3'
Protein context (NP_009190.2, residues 557-570): KESSQVTSRS[Ala567=]SRR

ClinVar aggregate classification (germline): Likely benign. Review status: criteria provided, multiple submitters, no conflicts (2 of 4 stars). 4 submissions from 4 submitters: Likely benign (4). Last evaluated 2026-01-18.

Conditions:
Congenital neutropenia-myelofibrosis-nephromegaly syndrome. Also called: Severe congenital neutropenia 5, autosomal recessive. Identifiers: Orphanet 369852, MedGen C3809031, MONDO:0014118, OMIM 615285.

Allele frequency attached by ClinVar (database versions not stated): ESP Exome Variant Server 0.00015; 1000 Genomes Project 30x 0.00016; gnomAD 0.00016; 1000 Genomes Project 0.00020; TOPMed 0.00028.

Submissions (4):

Labcorp Genetics (formerly Invitae), Labcorp
Classification: Likely benign for Congenital neutropenia-myelofibrosis-nephromegaly syndrome. Last evaluated: 2026-01-18. Review status: criteria provided, single submitter. Criteria: Invitae Variant Classification Sherloc (09022015). Collection method: clinical testing. Allele origin: germline.

Mayo Clinic Laboratories, Mayo Clinic
Classification: Likely benign. Last evaluated: 2025-05-13. Review status: criteria provided, single submitter. Criteria: ACMG Guidelines, 2015. Collection method: clinical testing. Allele origin: germline. Observed: 1 variant allele.
Comment: BP4_moderate, BP7

Blueprint Genetics
Classification: Likely benign. Last evaluated: 2024-04-16. Review status: criteria provided, single submitter. Criteria: ACMG Guidelines, 2015. Collection method: clinical testing. Allele origin: germline.

Genetics and Molecular Pathology, SA Pathology
Classification: Likely benign for Congenital neutropenia-myelofibrosis-nephromegaly syndrome. Last evaluated: 2021-01-19. Review status: criteria provided, single submitter. Criteria: ACMG Guidelines, 2015. Collection method: clinical testing. Allele origin: germline. Affected: yes.